The following is an entry in ClinVar:

ClinVar aggregate classification (germline): Uncertain significance (1 of 4 stars; one submission).

Submission:

Ambry Genetics
Classification: Uncertain significance. Last evaluated: 2025-10-08. Review status: criteria provided, single submitter. Criteria: Ambry Variant Classification Scheme 2023. Collection method: clinical testing. Allele origin: germline.
Comment: The p.L676Q variant (also known as c.2027T>A), located in coding exon 1 of the TET2 gene, results from a T to A substitution at nucleotide position 2027. The leucine at codon 676 is replaced by glutamine, an amino acid with dissimilar properties. This amino acid position is conserved. In addition, this alteration is predicted to be tolerated by in silico analysis. Based on the available evidence, the clinical significance of this variant remains unclear.

NM_001127208.3(TET2):c.2027T>A (p.Leu676Gln)

Genes: TET2 (tet methylcytosine dioxygenase 2; plus strand), TET2-AS1 (TET2 antisense RNA 1; minus strand). Cytogenetic location: 4q24.
Variant type: single nucleotide variant.
Coding change: c.2027T>A on transcript NM_001127208.3 (MANE Select); coding-DNA position 2027, T replaced by A.
Protein change: p.Leu676Gln; replaces leucine 676 with glutamine.
Molecular consequence: missense variant.
Genome position (GRCh38, 1-based): chr4:105,235,969, T>A. VCF-style: chr4-105235969-T-A. GRCh37 (hg19) VCF-style: chr4-106157126-T-A.
Other names: c.2027T>A, p.Leu676Gln (NM_017628.4); short protein forms L676Q.
Identifiers: ClinVar variation 4594145 (VCV004594145.1).